The following is an entry in ClinVar:

ClinVar aggregate classification (germline): Uncertain significance (1 of 4 stars; one submission).

Conditions:
Pulmonary fibrosis and/or bone marrow failure, Telomere-related, 3. Also called: PULMONARY FIBROSIS AND/OR BONE MARROW FAILURE SYNDROME, TELOMERE-RELATED, 3. Identifiers: Orphanet 2032, MedGen C4225346, MONDO:0014613, OMIM 616373.
Dyskeratosis congenita, autosomal recessive 5 (DKCB5). Identifiers: MedGen C3554656, MONDO:0014076, OMIM 615190.

Submission:

Labcorp Genetics (formerly Invitae), Labcorp
Classification: Uncertain significance for Dyskeratosis congenita, autosomal recessive 5; Pulmonary fibrosis and/or bone marrow failure, Telomere-related, 3. Last evaluated: 2025-09-16. Review status: criteria provided, single submitter. Criteria: Invitae Variant Classification Sherloc (09022015). Collection method: clinical testing. Allele origin: germline.
Comment: This sequence change replaces glutamic acid, which is acidic and polar, with glutamine, which is neutral and polar, at codon 821 of the RTEL1 protein (p.Glu821Gln). This variant is not present in population databases (gnomAD no frequency). This variant has not been reported in the literature in individuals affected with RTEL1-related conditions. An algorithm developed to predict the effect of missense changes on protein structure and function outputs the following: PolyPhen-2: "Benign". The glutamine amino acid residue is found in multiple mammalian species, which suggests that this missense change does not adversely affect protein function. In summary, the available evidence is currently insufficient to determine the role of this variant in disease. Therefore, it has been classified as a Variant of Uncertain Significance.

NM_001283009.2(RTEL1):c.2461G>C (p.Glu821Gln)

Genes: RTEL1 (regulator of telomere elongation helicase 1; plus strand), RTEL1-TNFRSF6B (RTEL1-TNFRSF6B readthrough (NMD candidate); plus strand). Cytogenetic location: 20q13.33.
Variant type: single nucleotide variant.
Coding change: c.2461G>C on transcript NM_001283009.2 (MANE Select); coding-DNA position 2461, G replaced by C.
Protein change: p.Glu821Gln; replaces glutamic acid 821 with glutamine.
Molecular consequence: missense variant. On other transcripts: non-coding transcript variant (1).
Genome position (GRCh38, 1-based): chr20:63,690,852, G>C. VCF-style: chr20-63690852-G-C. GRCh37 (hg19) VCF-style: chr20-62322205-G-C.
Other names: c.1792G>C, p.Glu598Gln (NM_001283010.1); c.2461G>C, p.Glu821Gln (NM_016434.4); c.2533G>C, p.Glu845Gln (NM_032957.5); short protein forms E598Q, E845Q, E821Q.
Identifiers: ClinVar variation 4793485 (VCV004793485.1).